The following is an entry in ClinVar:

NM_006885.4(ZFHX3):c.9643_9657del (p.Ala3215_Pro3219del)

Genes: ZFHX3 (zinc finger homeobox 3; minus strand), ZFHX3-AS1 (ZFHX3 antisense RNA 1; plus strand). Cytogenetic location: 16q22.2.
Variant type: Deletion.
Coding change: c.9643_9657del on transcript NM_006885.4 (MANE Select); coding-DNA positions 9643 to 9657, 15 bases deleted (GCAGCCCAGCCGCCA).
Protein change: p.Ala3215_Pro3219del.
Molecular consequence: inframe deletion.
Genome position (GRCh38, 1-based): chr16:72,788,619-72,788,633, TGGCGGCTGGGCTGC deleted on the plus strand (GCAGCCCAGCCGCCA on the coding strand, the reverse complement: ZFHX3 is on the minus strand); deleting any 15 consecutive bases within chr16:72,788,619-72,788,640 gives the same sequence; the c. name uses the placement nearest the transcript's 3' end. VCF-style (leftmost placement, unchanged base first): chr16-72788618-GTGGCGGCTGGGCTGC-G. GRCh37 (hg19) VCF-style: chr16-72822517-GTGGCGGCTGGGCTGC-G.
Other names: c.6901_6915del, p.Ala2301_Pro2305del (NM_001164766.2); c.9643_9657del, p.Ala3215_Pro3219del (NM_001386735.1).
Identifiers: ClinVar variation 1805337 (VCV001805337.1), dbSNP rs2507355398, ClinGen allele CA1139532829.
Genomic context (GRCh38, chr16:72,788,618, plus strand): 5'-CTTTCTCACTGTCTTTGTCCTTGCGTTGCTGCTGCTGTTGCAGTGGGAGCTGTGGTGTGG[GTGGCGGCTGGGCTGC>G]TGGCGGCGGGGGAGGCTGCTGCACCTGTGGTTGCTGCTGCTGCTGCTGCTGCTGGGGGGG-3'

ClinVar aggregate classification (germline): Uncertain significance (1 of 4 stars; one submission).

Conditions:
Neurodevelopmental disorder. Identifiers: MedGen C1535926, MeSH D065886, MONDO:0700092.

Submission:

Victorian Clinical Genetics Services, Murdoch Childrens Research Institute
Classification: Uncertain significance for Neurodevelopmental disorder. Last evaluated: 2020-10-19. Review status: criteria provided, single submitter. Criteria: ACMG Guidelines, 2015. Collection method: clinical testing. Allele origin: germline. Inheritance: Autosomal dominant inheritance.
Comment: Based on the classification scheme VCGS_Germline_v1.3.3, this variant is classified as 3B-VUS. Following criteria are met: 0105 - The mechanism of disease for this gene is not clearly established. (I) 0107 - This gene is associated with autosomal dominant disease. (I) 0216 - In-frame insertion/deletion in a non-repetitive region that has low conservation. (SP) 0251 - This variant is heterozygous. (I) 0301 - Variant is absent from gnomAD (both v2 and v3). (SP) 0311 - An in-frame deletion affecting the same region is present in gnomAD (v2: 2 heterozygotes, 0 homozygotes). (I) 0604 - Variant is not located in an established domain, motif, hotspot or informative constraint region. (I) 0705 - No comparable in-frame deletion variants spanning the same region, have previous evidence for pathogenicity. (I) 0807 - This variant has no previous evidence of pathogenicity. (I) 0905 - No published segregation evidence has been identified for this variant. (I) 1007 - No published functional evidence has been identified for this variant. (I) 1208 - Inheritance information for this variant is not currently available in this individual. (I) Legend: (SP) - Supporting pathogenic, (I) - Information, (SB) - Supporting benign